The following is an entry in ClinVar:

ClinVar aggregate classification (germline): Uncertain significance (1 of 4 stars; one submission).

Conditions:
Hereditary cancer-predisposing syndrome. Also called: Neoplastic Syndromes, Hereditary; Tumor predisposition; Hereditary Cancer Syndrome; Hereditary neoplastic syndrome. Identifiers: Orphanet 140162, MedGen C0027672, MeSH D009386, MONDO:0015356.

Submission:

Ambry Genetics
Classification: Uncertain significance for Hereditary cancer-predisposing syndrome. Last evaluated: 2025-10-24. Review status: criteria provided, single submitter. Criteria: Ambry Variant Classification Scheme 2023. Collection method: clinical testing. Allele origin: germline.
Comment: The c.2164+3A>C intronic variant results from an A to C substitution 3 nucleotides after coding exon 13 in the CDH1 gene. This nucleotide position is highly conserved in available vertebrate species. In silico splice site analysis predicts that this alteration will weaken the native splice donor site; however, direct evidence is insufficient at this time (Ambry internal data). Based on the available evidence, the clinical significance of this variant remains unclear.

NM_004360.5(CDH1):c.2164+3A>C

Gene: CDH1 (cadherin 1; plus strand). Cytogenetic location: 16q22.1.
Variant type: single nucleotide variant.
Coding change: c.2164+3A>C on transcript NM_004360.5 (MANE Select); 3 bases into the intron after coding-DNA position 2164, A replaced by C.
Molecular consequence: intron variant.
Genome position (GRCh38, 1-based): chr16:68,823,629, A>C. VCF-style: chr16-68823629-A-C. GRCh37 (hg19) VCF-style: chr16-68857532-A-C.
Other names: c.616+3A>C (NM_001317185.2); c.199+3A>C (NM_001317186.2); c.1981+3A>C (NM_001317184.2).
Identifiers: ClinVar variation 4632532 (VCV004632532.1).